The following is an entry in ClinVar:

GRCh37/hg19 22q13.33(chr22:50134203-51183840)x1

Genes: ACR (acrosin; plus strand), ADM2 (adrenomedullin 2; plus strand), ALG12 (ALG12 alpha-1,6-mannosyltransferase; minus strand), ARSA (arylsulfatase A; minus strand), BRD1 (bromodomain containing 1; minus strand) and 30 more. Cytogenetic location: 22q13.33.
Variant type: copy number loss.
Change: copy number 1 (one copy instead of two) of chr22:50,134,203-51,183,840 (1.05 Mb, GRCh37 coordinates, 1-based), cytogenetic band 22q13.33.
Identifiers: ClinVar variation 565013 (VCV000565013.2).

ClinVar aggregate classification (germline): Pathogenic (1 of 4 stars; one submission).

Submission:

Quest Diagnostics Nichols Institute San Juan Capistrano
Classification: Pathogenic. Last evaluated: 2022-01-28. Review status: criteria provided, single submitter. Criteria: ACMG/ClinGen CNV Guidelines, 2019. Collection method: clinical testing. Allele origin: unknown.
Comment: Deletions of chromosome 22q13.3, including SHANK3, are associated with Phelan-McDermid syndrome (PHMDS; 22q13.3 deletion syndrome)(OMIM 606232). The common clinical features include neonatal hypotonia, global developmental delay, absent or severely delayed speech, moderate to profound intellectual disability, autism spectrum disorder, normal to accelerated growth, and minor facial dysmorphism. Deletion sizes of chromosome 22q13.3 are highly variable ranging from 0.22 to 9 Mb with no common breakpoints. The SHANK3 (SH3 and multiple ankyrin repeat domains protein 3; previously known as PROSAP2) gene has been deleted in all reported cases with Phelan-McDermid syndrome (Phelan K, Rogers RC. Phelan-McDermid Syndrome. 2005 May 11 [GeneReviews [Internet]. available from.; Phelan K and McDermidHE. The 22q13.3 Deletion Syndrome (Phelan-McDermid Syndrome). MolSyndromol. 2012;2(3-5):186-201).